The following is an entry in ClinVar:

ClinVar aggregate classification (germline): Conflicting classifications of pathogenicity. Review status: criteria provided, conflicting classifications (1 of 4 stars). 6 submissions from 6 submitters: Uncertain significance (2); Benign (1); Likely benign (1). 2 of the submissions do not count toward it. Last evaluated 2025-12-30.

Conditions:
Inborn genetic diseases. Identifiers: MedGen C0950123, MeSH D030342.
Glucose-6-phosphate transport defect (GSD1B). Also called: Glycogen Storage Disease Type Ib; GSD Ib. Identifiers: Orphanet 364, Orphanet 79259, MedGen C0268146, MONDO:0009288, OMIM 232220.
SLC37A4-related disorder. Also called: SLC37A4-related condition.

Allele frequency attached by ClinVar (database versions not stated): gnomAD 0.00001 and 0.00010; TOPMed 0.00001; 1000 Genomes Project 30x 0.00016; 1000 Genomes Project 0.00020; gnomAD exomes 0.00026 and 0.00052; ExAC 0.00051.

Submissions (6):

Labcorp Genetics (formerly Invitae), Labcorp
Classification: Benign for Glucose-6-phosphate transport defect. Last evaluated: 2025-12-30. Review status: criteria provided, single submitter. Criteria: Invitae Variant Classification Sherloc (09022015). Collection method: clinical testing. Allele origin: germline.

Ambry Genetics
Classification: Uncertain significance for Inborn genetic diseases. Last evaluated: 2025-09-24. Review status: criteria provided, single submitter. Criteria: Ambry Variant Classification Scheme 2023. Collection method: clinical testing. Allele origin: germline.
Comment: The p.V261I variant (also known as c.781G>A), located in coding exon 4 of the SLC37A4 gene, results from a G to A substitution at nucleotide position 781. The valine at codon 261 is replaced by isoleucine, an amino acid with highly similar properties. This amino acid position is conserved. In addition, this alteration is predicted to be tolerated by in silico analysis. Based on the available evidence, the clinical significance of this variant remains unclear.

Blueprint Genetics
Classification: Likely benign. Last evaluated: 2024-11-08. Review status: criteria provided, single submitter. Criteria: ACMG Guidelines, 2015. Collection method: clinical testing. Allele origin: germline.

CeGaT Center for Human Genetics Tuebingen
Classification: Uncertain significance. Last evaluated: 2017-05-01. Review status: criteria provided, single submitter. Criteria: CeGaT Center For Human Genetics Tuebingen Variant Classification Criteria Version 2. Collection method: clinical testing. Allele origin: germline. Affected: yes. Observed: 1 variant allele.

PreventionGenetics, part of Exact Sciences
Classification: Likely benign for SLC37A4-related condition. Last evaluated: 2022-02-01. Review status: no assertion criteria provided. Collection method: clinical testing. Allele origin: germline. Not counted in ClinVar's aggregate classification.
Comment: This variant is classified as likely benign based on ACMG/AMP sequence variant interpretation guidelines (Richards et al. 2015 PMID: 25741868, with internal and published modifications).

Natera, Inc.
Classification: Uncertain significance for Glycogen storage disease type Ib. Last evaluated: 2020-04-16. Review status: no assertion criteria provided. Collection method: clinical testing. Allele origin: germline. Not counted in ClinVar's aggregate classification.

NM_001164277.2(SLC37A4):c.781G>A (p.Val261Ile)

Gene: SLC37A4 (solute carrier family 37 member 4; minus strand). Cytogenetic location: 11q23.3.
Variant type: single nucleotide variant.
Coding change: c.781G>A on transcript NM_001164277.2 (MANE Select); coding-DNA position 781, G replaced by A.
Protein change: p.Val261Ile; replaces valine 261 with isoleucine.
Molecular consequence: missense variant.
Genome position (GRCh38, 1-based): chr11:119,026,940, C>T on the plus strand (G>A on the coding strand, the complement: SLC37A4 is on the minus strand). VCF-style: chr11-119026940-C-T. GRCh37 (hg19) VCF-style: chr11-118897650-C-T.
Other names: c.781G>A, p.Val261Ile (NM_001164278.2, NM_001164280.2, NM_001467.6); c.562G>A, p.Val188Ile (NM_001164279.2); c.781G>A (NM_001467.5); short protein forms V188I, V261I.
Identifiers: ClinVar variation 784599 (VCV000784599.54), dbSNP rs561701030, ClinGen allele CA6311743.